The following is an entry in ClinVar:

NM_017617.5(NOTCH1):c.5218G>A (p.Ala1740Thr)

Gene: NOTCH1 (notch receptor 1; minus strand). Cytogenetic location: 9q34.3.
Variant type: single nucleotide variant.
Coding change: c.5218G>A on transcript NM_017617.5 (MANE Select); coding-DNA position 5218, G replaced by A.
Protein change: p.Ala1740Thr; replaces alanine 1740 with threonine.
Molecular consequence: missense variant.
Genome position (GRCh38, 1-based): chr9:136,502,438, C>T on the plus strand (G>A on the coding strand, the complement: NOTCH1 is on the minus strand). VCF-style: chr9-136502438-C-T. GRCh37 (hg19) VCF-style: chr9-139396890-C-T.
Other names: short protein forms A1740T.
Identifiers: ClinVar variation 4843312 (VCV004843312.1).

ClinVar aggregate classification (germline): Uncertain significance (1 of 4 stars; one submission).

Conditions:
Familial thoracic aortic aneurysm and aortic dissection (TAAD). Also called: Thoracic aortic aneurysms and dissections. Identifiers: Orphanet 91387, MedGen C4707243, MONDO:0019625.

Submission:

Ambry Genetics
Classification: Uncertain significance for Familial thoracic aortic aneurysm and aortic dissection. Last evaluated: 2025-12-31. Review status: criteria provided, single submitter. Criteria: Ambry Variant Classification Scheme 2023. Collection method: clinical testing. Allele origin: germline.
Comment: The p.A1740T variant (also known as c.5218G>A), located in coding exon 28 of the NOTCH1 gene, results from a G to A substitution at nucleotide position 5218. The alanine at codon 1740 is replaced by threonine, an amino acid with similar properties. This amino acid position is not well conserved in available vertebrate species. In addition, this alteration is predicted to be tolerated by in silico analysis. Based on the available evidence, the clinical significance of this variant remains unclear.